The following is an entry in ClinVar:

ClinVar aggregate classification (germline): Likely pathogenic (1 of 4 stars; one submission).

Submission:

CeGaT Center for Human Genetics Tuebingen
Classification: Likely pathogenic. Last evaluated: 2025-11-01. Review status: criteria provided, single submitter. Criteria: CeGaT Center For Human Genetics Tuebingen Variant Classification Criteria Version 2. Collection method: clinical testing. Allele origin: germline. Affected: yes. Observed: 1 variant allele.
Comment: SMPD1: PM2, PM5, PM3:Supporting, PP4

NM_000543.5(SMPD1):c.1028T>G (p.Leu343Arg)

Gene: SMPD1 (sphingomyelin phosphodiesterase 1; plus strand). Cytogenetic location: 11p15.4.
Variant type: single nucleotide variant.
Coding change: c.1028T>G on transcript NM_000543.5 (MANE Select); coding-DNA position 1028, T replaced by G.
Protein change: p.Leu343Arg; replaces leucine 343 with arginine.
Molecular consequence: missense variant. On other transcripts: non-coding transcript variant (1).
Genome position (GRCh38, 1-based): chr11:6,392,093, T>G. VCF-style: chr11-6392093-T-G. GRCh37 (hg19) VCF-style: chr11-6413323-T-G.
Other names: c.1025T>G, p.Leu342Arg (NM_001007593.3); c.1028T>G, p.Leu343Arg (NM_001318087.2, NM_001365135.2); c.67T>G, p.Ser23Ala (NM_001318088.2); short protein forms L342R, L343R, S23A.
Identifiers: ClinVar variation 4534621 (VCV004534621.6).